The following is an entry in ClinVar:

ClinVar aggregate classification (germline): Uncertain significance (1 of 4 stars; one submission).

Submission:

Labcorp Genetics (formerly Invitae), Labcorp
Classification: Uncertain significance. Last evaluated: 2021-08-05. Review status: criteria provided, single submitter. Criteria: Invitae Variant Classification Sherloc (09022015). Collection method: clinical testing. Allele origin: germline.
Comment: This sequence change replaces asparagine with tyrosine at codon 333 of the HJV protein (p.Asn333Tyr). The asparagine residue is weakly conserved and there is a large physicochemical difference between asparagine and tyrosine. This variant is not present in population databases (ExAC no frequency). This variant has not been reported in the literature in individuals affected with HJV-related conditions. Algorithms developed to predict the effect of missense changes on protein structure and function (SIFT, PolyPhen-2, Align-GVGD) all suggest that this variant is likely to be tolerated. In summary, the available evidence is currently insufficient to determine the role of this variant in disease. Therefore, it has been classified as a Variant of Uncertain Significance.

NM_213653.4(HJV):c.997A>T (p.Asn333Tyr)

Gene: HJV (hemojuvelin BMP co-receptor; minus strand). Cytogenetic location: 1q21.1.
Variant type: single nucleotide variant.
Coding change: c.997A>T on transcript NM_213653.4 (MANE Select); coding-DNA position 997, A replaced by T.
Protein change: p.Asn333Tyr; replaces asparagine 333 with tyrosine.
Molecular consequence: missense variant.
Genome position (GRCh38, 1-based): chr1:146,018,361, T>A on the plus strand (A>T on the coding strand, the complement: HJV is on the minus strand). VCF-style: chr1-146018361-T-A. GRCh37 (hg19) VCF-style: chr1-145416652-A-T.
Other names: c.319A>T, p.Asn107Tyr (NM_001316767.2, NM_202004.4, NM_213652.4); c.997A>T, p.Asn333Tyr (NM_001379352.1); c.658A>T, p.Asn220Tyr (NM_145277.5); short protein forms N220Y, N333Y, N107Y.
Identifiers: ClinVar variation 1426240 (VCV001426240.6), dbSNP rs2101982170, ClinGen allele CA342134726.